The following is an entry in ClinVar:

NM_177438.3(DICER1):c.2003A>G (p.Tyr668Cys)

Gene: DICER1 (dicer 1, ribonuclease III; minus strand). Cytogenetic location: 14q32.13.
Variant type: single nucleotide variant.
Coding change: c.2003A>G on transcript NM_177438.3 (MANE Select); coding-DNA position 2003, A replaced by G.
Protein change: p.Tyr668Cys; replaces tyrosine 668 with cysteine.
Molecular consequence: missense variant. On other transcripts: non-coding transcript variant (6).
Genome position (GRCh38, 1-based): chr14:95,113,129, T>C on the plus strand (A>G on the coding strand, the complement: DICER1 is on the minus strand). VCF-style: chr14-95113129-T-C. GRCh37 (hg19) VCF-style: chr14-95579466-T-C.
Other names: c.2003A>G, p.Tyr668Cys (NM_001195573.1, NM_001271282.3, NM_001291628.2 and 13 more transcripts); c.1721A>G, p.Tyr574Cys (NM_001395686.1); c.1598A>G, p.Tyr533Cys (NM_001395687.1, NM_001395688.1, NM_001395689.1 and 3 more transcripts); c.1436A>G, p.Tyr479Cys (NM_001395691.1); c.320A>G, p.Tyr107Cys (NM_001395697.1); short protein forms Y107C, Y479C, Y533C, Y574C, Y668C.
Identifiers: ClinVar variation 3229323 (VCV003229323.1), dbSNP rs1892127098, ClinGen allele CA390883227.

ClinVar aggregate classification (germline): Uncertain significance (1 of 4 stars; one submission).

Conditions:
Hereditary cancer-predisposing syndrome. Also called: Neoplastic Syndromes, Hereditary; Tumor predisposition; Hereditary neoplastic syndrome; Hereditary Cancer Syndrome. Identifiers: Orphanet 140162, MedGen C0027672, MeSH D009386, MONDO:0015356.

Submission:

Ambry Genetics
Classification: Uncertain significance for Hereditary cancer-predisposing syndrome. Last evaluated: 2024-01-09. Review status: criteria provided, single submitter. Criteria: Ambry Variant Classification Scheme 2023. Collection method: clinical testing. Allele origin: germline.
Comment: The p.Y668C variant (also known as c.2003A>G), located in coding exon 11 of the DICER1 gene, results from an A to G substitution at nucleotide position 2003. The tyrosine at codon 668 is replaced by cysteine, an amino acid with highly dissimilar properties. This amino acid position is conserved. In addition, the in silico prediction for this alteration is inconclusive. Since supporting evidence is limited at this time, the clinical significance of this alteration remains unclear.